The following is an entry in ClinVar:

ClinVar aggregate classification (germline): Uncertain significance (1 of 4 stars; one submission).

Allele frequency attached by ClinVar (database versions not stated): TOPMed 0.00001.
gnomAD v4.1: 15 of 1,613,958 alleles (0.00093%); highest among the groups gnomAD compares: East Asian, 0.0022%; no homozygotes.

Submission:

Labcorp Genetics (formerly Invitae), Labcorp
Classification: Uncertain significance. Last evaluated: 2023-10-05. Review status: criteria provided, single submitter. Criteria: Invitae Variant Classification Sherloc (09022015). Collection method: clinical testing. Allele origin: germline.
Comment: This sequence change replaces aspartic acid, which is acidic and polar, with asparagine, which is neutral and polar, at codon 673 of the MYO3A protein (p.Asp673Asn). This variant is present in population databases (rs749264627, gnomAD 0.005%). This variant has not been reported in the literature in individuals affected with MYO3A-related conditions. Advanced modeling of protein sequence and biophysical properties (such as structural, functional, and spatial information, amino acid conservation, physicochemical variation, residue mobility, and thermodynamic stability) performed at Invitae indicates that this missense variant is not expected to disrupt MYO3A protein function. In summary, the available evidence is currently insufficient to determine the role of this variant in disease. Therefore, it has been classified as a Variant of Uncertain Significance.

NM_017433.5(MYO3A):c.2017G>A (p.Asp673Asn)

Gene: MYO3A (myosin IIIA; plus strand). Cytogenetic location: 10p12.1.
Variant type: single nucleotide variant.
Coding change: c.2017G>A on transcript NM_017433.5 (MANE Select); coding-DNA position 2017, G replaced by A.
Protein change: p.Asp673Asn; replaces aspartic acid 673 with asparagine.
Molecular consequence: missense variant.
Genome position (GRCh38, 1-based): chr10:26,125,511, G>A. VCF-style: chr10-26125511-G-A. GRCh37 (hg19) VCF-style: chr10-26414440-G-A.
Other names: short protein forms D673N.
Identifiers: ClinVar variation 2888978 (VCV002888978.3), dbSNP rs749264627, ClinGen allele CA204386192.